The following is an entry in ClinVar:

NM_000352.6(ABCC8):c.3788C>T (p.Ala1263Val)

Gene: ABCC8 (ATP binding cassette subfamily C member 8; minus strand). Cytogenetic location: 11p15.1.
Variant type: single nucleotide variant.
Coding change: c.3788C>T on transcript NM_000352.6 (MANE Select); coding-DNA position 3788, C replaced by T.
Protein change: p.Ala1263Val; replaces alanine 1263 with valine.
Molecular consequence: missense variant. On other transcripts: non-coding transcript variant (1).
Genome position (GRCh38, 1-based): chr11:17,397,763, G>A on the plus strand (C>T on the coding strand, the complement: ABCC8 is on the minus strand). VCF-style: chr11-17397763-G-A. GRCh37 (hg19) VCF-style: chr11-17419310-G-A.
Other names: c.3791C>T, p.Ala1264Val (NM_001287174.3); c.3854C>T, p.Ala1285Val (NM_001351295.2); c.3788C>T, p.Ala1263Val (NM_001351296.2); c.3785C>T, p.Ala1262Val (NM_001351297.2); c.3788C>T (NM_000352.3, NM_000352.4); short protein forms A1262V, A1263V, A1264V, A1285V.
Identifiers: ClinVar variation 1526005 (VCV001526005.4), dbSNP rs772094360, ClinGen allele CA379793507.

ClinVar aggregate classification (germline): Conflicting classifications of pathogenicity. Review status: criteria provided, conflicting classifications (1 of 4 stars). 3 submissions from 3 submitters: Likely pathogenic (1); Uncertain significance (1). 1 of the submissions does not count toward it. Last evaluated 2023-09-27.

Conditions:
ABCC8-related disorder.
Neonatal diabetes mellitus (NDM). Identifiers: Orphanet 224, MedGen C0158981, MONDO:0016391.

Allele frequency attached by ClinVar (database versions not stated): gnomAD 0.00001; TOPMed below 0.00001.
gnomAD v4.1: 2 of 1,613,658 alleles (0.00012%); highest among the groups gnomAD compares: East Asian, 0.0022%; no homozygotes.

Submissions (3):

GeneDx
Classification: Uncertain significance. Last evaluated: 2023-09-27. Review status: criteria provided, single submitter. Criteria: GeneDx Variant Classification Process June 2021. Collection method: clinical testing. Allele origin: germline. Affected: yes.
Comment: Not observed at significant frequency in large population cohorts (gnomAD); In silico analysis supports that this missense variant has a deleterious effect on protein structure/function; This variant is associated with the following publications: (PMID: 27681997, 32418263, 32893419)

Molecular Genetics, Madras Diabetes Research Foundation
Classification: Likely pathogenic for Neonatal diabetes mellitus. Review status: criteria provided, single submitter. Criteria: ACMG Guidelines, 2015. Collection method: clinical testing. Allele origin: germline. Affected: yes.

PreventionGenetics, part of Exact Sciences
Classification: Likely pathogenic for ABCC8-related condition. Last evaluated: 2023-12-19. Review status: no assertion criteria provided. Collection method: clinical testing. Allele origin: germline. Not counted in ClinVar's aggregate classification.
Comment: The ABCC8 c.3788C>T variant is predicted to result in the amino acid substitution p.Ala1263Val. This variant has been reported in the compound heterozygous and homozygous state in individuals with neonatal diabetes mellitus (Hashimoto et al 2017. PubMed ID: 27681997; Gopi S et al 2020. PubMed ID: 32893419). This variant is reported in 0.0054% of alleles in individuals of East Asian descent in gnomAD. A different substitution affecting the same amino acid (p.Ala1263Glu) has been reported in the homozygous state in two individuals with neonatal diabetes mellitus (Table S1, Flanagan et al. 2014. PubMed ID: 24411943). This variant is interpreted as likely pathogenic.

Literature cited by the submitters: PubMed 32893419 (cited by Molecular Genetics, Madras Diabetes Research Foundation).